The following is an entry in ClinVar:

ClinVar aggregate classification (germline): Uncertain significance (1 of 4 stars; one submission).

Conditions:
Inborn genetic diseases. Identifiers: MedGen C0950123, MeSH D030342.

Submission:

Ambry Genetics
Classification: Uncertain significance for Inborn genetic diseases. Last evaluated: 2022-04-20. Review status: criteria provided, single submitter. Criteria: Ambry Variant Classification Scheme 2023. Collection method: clinical testing. Allele origin: germline.
Comment: The p.W817S variant (also known as c.2450G>C), located in coding exon 19 of the LRRK2 gene, results from a G to C substitution at nucleotide position 2450. The tryptophan at codon 817 is replaced by serine, an amino acid with highly dissimilar properties. This amino acid position is conserved. In addition, this alteration is predicted to be deleterious by in silico analysis. Since supporting evidence is limited at this time, the clinical significance of this alteration remains unclear.

NM_198578.4(LRRK2):c.2450G>C (p.Trp817Ser)

Gene: LRRK2 (leucine rich repeat kinase 2; plus strand). Cytogenetic location: 12q12.
Variant type: single nucleotide variant.
Coding change: c.2450G>C on transcript NM_198578.4 (MANE Select); coding-DNA position 2450, G replaced by C.
Protein change: p.Trp817Ser; replaces tryptophan 817 with serine.
Molecular consequence: missense variant.
Genome position (GRCh38, 1-based): chr12:40,284,083, G>C. VCF-style: chr12-40284083-G-C. GRCh37 (hg19) VCF-style: chr12-40677885-G-C.
Other names: short protein forms W817S.
Identifiers: ClinVar variation 1791486 (VCV001791486.2), dbSNP rs2499665326, ClinGen allele CA384407315.